The following is an entry in ClinVar:

ClinVar aggregate classification (germline): Pathogenic/Likely pathogenic. Review status: criteria provided, multiple submitters, no conflicts (2 of 4 stars). 6 submissions from 6 submitters: Pathogenic (4); Likely pathogenic (1). 1 of the submissions does not count toward it. Last evaluated 2022-05-22.

Conditions:
CASK-related disorder. Also called: CASK-related disorders; CASK-related condition.
Syndromic X-linked intellectual disability Najm type (MICPCH). Also called: Intellectual developmental disorder and microcephaly with pontine and cerebellar hypoplasia; Mental retardation and microcephaly with pontine and cerebellar hypoplasia; MENTAL RETARDATION, X-LINKED, SYNDROMIC, NAJM TYPE; MICPCH SYNDROME; Intellectual Disability and Microcephaly with Pontine and Cerebellar Hypoplasia (MICPCH); Intellectual Disability and Microcephaly with Pontine and Cerebellar Hypoplasia. Identifiers: Orphanet 163937, MedGen C2677903, MONDO:0010417, OMIM 300749.
Intellectual disability, CASK-related, X-linked. Identifiers: MedGen CN043158.

Submissions (6):

3billion
Classification: Pathogenic for Syndromic X-linked intellectual disability Najm type. Last evaluated: 2022-05-22. Review status: criteria provided, single submitter. Criteria: ACMG Guidelines, 2015. Collection method: clinical testing. Allele origin: germline. Affected: yes. Observed: 1 heterozygote.
Comment: The variant is not observed in the gnomAD v2.1.1 dataset. Frameshift: predicted to result in a loss or disruption of normal protein function through nonsense-mediated decay (NMD) or protein truncation. Multiple pathogenic variants are reported downstream of the variant. The variant has been reported at least twice as pathogenic without evidence for the classification (ClinVar ID: VCV000570810). Therefore, this variant is classified as pathogenic according to the recommendation of ACMG/AMP guideline.

GeneDx
Classification: Pathogenic. Last evaluated: 2022-02-18. Review status: criteria provided, single submitter. Criteria: GeneDx Variant Classification Process June 2021. Collection method: clinical testing. Allele origin: germline. Affected: yes.
Comment: Frameshift variant predicted to result in protein truncation or nonsense mediated decay in a gene for which loss-of-function is a known mechanism of disease; Not observed at significant frequency in large population cohorts (gnomAD); This variant is associated with the following publications: (PMID: 34625938)

Institute of Medical Genetics and Applied Genomics, University Hospital Tübingen
Classification: Pathogenic. Last evaluated: 2020-10-23. Review status: criteria provided, single submitter. Criteria: ACMG Guidelines, 2015. Collection method: clinical testing. Allele origin: germline. Inheritance: Unknown mechanism. Affected: yes.

Blueprint Genetics
Classification: Likely pathogenic for CASK-related disorders. Last evaluated: 2020-06-15. Review status: criteria provided, single submitter. Criteria: ACMG Guidelines, 2015. Collection method: clinical testing. Allele origin: germline. Affected: yes. Observed: 1 variant allele.

Labcorp Genetics (formerly Invitae), Labcorp
Classification: Pathogenic for Intellectual disability, CASK-related, X-linked. Last evaluated: 2020-01-02. Review status: criteria provided, single submitter. Criteria: Invitae Variant Classification Sherloc (09022015). Collection method: clinical testing. Allele origin: germline.
Comment: For these reasons, this variant has been classified as Pathogenic. Loss-of-function variants in CASK are known to be pathogenic (PMID: 19165920, 20029458, 21954287, 22452838, 22709267). This variant has not been reported in the literature in individuals with CASK-related disease. This variant is not present in population databases (ExAC no frequency). This sequence change creates a premature translational stop signal (p.Thr548Trpfs*69) in the CASK gene. It is expected to result in an absent or disrupted protein product.

Pediatric Genetics Clinic, Sheba Medical Center
Classification: Pathogenic for Syndromic X-linked intellectual disability Najm type. Last evaluated: 2021-05-13. Review status: no assertion criteria provided. Collection method: clinical testing. Allele origin: de novo. Affected: yes. Observed: 1 heterozygote. Not counted in ClinVar's aggregate classification.

Literature cited by the submitters: PubMed 19165920 (cited by Labcorp Genetics (formerly Invitae), Labcorp); PubMed 20029458 (cited by Labcorp Genetics (formerly Invitae), Labcorp); PubMed 21954287 (cited by Labcorp Genetics (formerly Invitae), Labcorp); PubMed 22452838 (cited by Labcorp Genetics (formerly Invitae), Labcorp); PubMed 22709267 (cited by Labcorp Genetics (formerly Invitae), Labcorp).

NM_001367721.1(CASK):c.1641_1644del (p.Thr548fs)

Gene: CASK (calcium/calmodulin dependent serine protein kinase; minus strand). Cytogenetic location: Xp11.4.
Variant type: Deletion.
Coding change: c.1641_1644del on transcript NM_001367721.1 (MANE Select); coding-DNA positions 1641 to 1644, 4 bases deleted (AACA; older notation c.1641_1644delAACA).
Protein change: p.Thr548fs; shifts the reading frame from threonine 548.
Molecular consequence: frameshift variant.
Genome position (GRCh38, 1-based): chrX:41,561,583-41,561,586, TGTT deleted on the plus strand (AACA on the coding strand, the reverse complement: CASK is on the minus strand); deleting any 4 consecutive bases within chrX:41,561,583-41,561,588 gives the same sequence; the c. name uses the placement nearest the transcript's 3' end. VCF-style (leftmost placement, unchanged base first): chrX-41561582-CTGTT-C. GRCh37 (hg19) VCF-style: chrX-41420835-CTGTT-C.
Other names: c.1639_1642delCAAA, p.Thr548Trpfs (NM_001126054.3, NM_003688.4); c.1621_1624delCAAA, p.Thr542Trpfs (NM_001126055.3, NM_001410745.1); c.1641_1644delAACA (NM_001367721.1, NM_003688.3); short protein forms T542fs, T548fs.
Identifiers: ClinVar variation 570810 (VCV000570810.13), dbSNP rs1569306724, ClinGen allele CA891844437.